The following is an entry in ClinVar:

NM_052947.4(ALPK2):c.5708A>T (p.Asp1903Val)

Gene: ALPK2 (alpha kinase 2; minus strand). Cytogenetic location: 18q21.31.
Variant type: single nucleotide variant.
Coding change: c.5708A>T on transcript NM_052947.4 (MANE Select); coding-DNA position 5708, A replaced by T.
Protein change: p.Asp1903Val; replaces aspartic acid 1903 with valine.
Molecular consequence: missense variant.
Genome position (GRCh38, 1-based): chr18:58,517,140, T>A on the plus strand (A>T on the coding strand, the complement: ALPK2 is on the minus strand). VCF-style: chr18-58517140-T-A. GRCh37 (hg19) VCF-style: chr18-56184372-T-A.
Other names: short protein forms D1903V.
Identifiers: ClinVar variation 3228810 (VCV003228810.1), dbSNP rs746962671, ClinGen allele CA8976375.

ClinVar aggregate classification (germline): Uncertain significance (1 of 4 stars; one submission).

Allele frequency attached by ClinVar (database versions not stated): ExAC 0.00002.
gnomAD v4.1: 9 of 1,614,170 alleles (0.00056%); highest among the groups gnomAD compares: Admixed American, 0.012%; no homozygotes.

Submission:

Ambry Genetics
Classification: Uncertain significance. Last evaluated: 2023-03-04. Review status: criteria provided, single submitter. Criteria: Ambry Variant Classification Scheme 2023. Collection method: clinical testing. Allele origin: germline.
Comment: The p.D1903V variant (also known as c.5708A>T), located in coding exon 8 of the ALPK2 gene, results from an A to T substitution at nucleotide position 5708. The aspartic acid at codon 1903 is replaced by valine, an amino acid with highly dissimilar properties. This amino acid position is conserved. In addition, the in silico prediction for this alteration is inconclusive. Since supporting evidence is limited at this time, the clinical significance of this alteration remains unclear.